The following is an entry in ClinVar:

NM_000407.5(GP1BB):c.445G>A (p.Gly149Arg)

Genes: GP1BB (glycoprotein Ib platelet subunit beta; plus strand), SEPT5-GP1BB (SEPT5-GP1BB readthrough; plus strand). Cytogenetic location: 22q11.21.
Variant type: single nucleotide variant.
Coding change: c.445G>A on transcript NM_000407.5 (MANE Select); coding-DNA position 445, G replaced by A.
Protein change: p.Gly149Arg; replaces glycine 149 with arginine.
Molecular consequence: missense variant. On other transcripts: non-coding transcript variant (2).
Genome position (GRCh38, 1-based): chr22:19,724,288, G>A. VCF-style: chr22-19724288-G-A. GRCh37 (hg19) VCF-style: chr22-19711811-G-A.
Other names: short protein forms G149R.
Identifiers: ClinVar variation 1684331 (VCV001684331.1), dbSNP rs1398239892, ClinGen allele CA410677528.

ClinVar aggregate classification (germline): Uncertain significance (0 of 4 stars; one submission).

Conditions:
Mild macrothrombocytopenia.

Submission:

ISTH-SSC Genomics in Thrombosis and Hemostasis, KU Leuven, Center for Molecular and Vascular Biology
Classification: Uncertain significance for Mild macrothrombocytopenia. Review status: no assertion criteria provided. Collection method: research. Allele origin: unknown. Affected: yes.
Comment: Submitted to GoldVariant by Dr Karyn Mégy from NIHR Bioresource - Cambridge University, UK